The following is an entry in ClinVar:

NM_001105206.3(LAMA4):c.5160T>A (p.Val1720=)

Gene: LAMA4 (laminin subunit alpha 4; minus strand). Cytogenetic location: 6q21.
Variant type: single nucleotide variant.
Coding change: c.5160T>A on transcript NM_001105206.3 (MANE Select); coding-DNA position 5160, T replaced by A.
Protein change: p.Val1720=; no amino-acid change (valine 1720 retained).
Molecular consequence: synonymous variant.
Genome position (GRCh38, 1-based): chr6:112,114,709, A>T on the plus strand (T>A on the coding strand, the complement: LAMA4 is on the minus strand). VCF-style: chr6-112114709-A-T. GRCh37 (hg19) VCF-style: chr6-112435912-A-T.
Other names: p.V1713V:GTT>GTA; c.5139T>A, p.Val1713= (NM_001105207.3, NM_002290.5).
Identifiers: ClinVar variation 44401 (VCV000044401.21), dbSNP rs1050353, ClinGen allele CA282399.
Genomic context (GRCh38, chr6:112,114,709, plus strand): 5'-GTCAGTTTTCTCACCTGTAATTCTGTGCCATCTGCCATCACAGAGACTCTGCTTGGGTGT[A>T]ACTGAGGTGGAAAAATCTCTGATGCCATTATTGACTTTCACTATGACCTGCAAAAGATAG-3'
Protein context (NP_001098676.2, residues 1710-1730): NNGIRDFSTS[Val1720=]TPKQSLCDGR

ClinVar aggregate classification (germline): Benign. Review status: criteria provided, multiple submitters, no conflicts (2 of 4 stars). 10 submissions from 10 submitters: Benign (8). 2 of the submissions do not count toward it. Last evaluated 2026-02-04.

Conditions:
Dilated cardiomyopathy 1JJ (CMD1JJ). Identifiers: Orphanet 154, MedGen C3808935, MONDO:0014095, OMIM 615235.

Allele frequency attached by ClinVar (database versions not stated): gnomAD exomes 0.27992 and 0.26389; gnomAD 0.29327 and 0.29018; TOPMed 0.29322; ESP Exome Variant Server 0.30494; ExAC 0.26713; 1000 Genomes Project 0.28175; 1000 Genomes Project 30x 0.28326.
gnomAD v4.1: 452,367 of 1,610,724 alleles (28%); highest among the groups gnomAD compares: African/African-American, 33%; 64,902 homozygotes.

Submissions (10):

Labcorp Genetics (formerly Invitae), Labcorp
Classification: Benign for Dilated cardiomyopathy 1JJ. Last evaluated: 2026-02-04. Review status: criteria provided, single submitter. Criteria: Invitae Variant Classification Sherloc (09022015). Collection method: clinical testing. Allele origin: germline.

Blueprint Genetics
Classification: Benign. Last evaluated: 2024-11-26. Review status: criteria provided, single submitter. Criteria: ACMG Guidelines, 2015. Collection method: clinical testing. Allele origin: germline.

Women's Health and Genetics/Laboratory Corporation of America, LabCorp
Classification: Benign. Last evaluated: 2023-04-09. Review status: criteria provided, single submitter. Criteria: LabCorp Variant Classification Summary - May 2015. Collection method: clinical testing. Allele origin: germline.

Genome-Nilou Lab
Classification: Benign for Dilated cardiomyopathy 1JJ. Last evaluated: 2021-08-19. Review status: criteria provided, single submitter. Criteria: ACMG Guidelines, 2015. Collection method: clinical testing. Allele origin: germline. Affected: no.

Clinical Genetics DNA and cytogenetics Diagnostics Lab, Erasmus MC, Erasmus Medical Center
Classification: Benign for Dilated cardiomyopathy 1JJ. Last evaluated: 2015-09-21. Review status: criteria provided, single submitter. Criteria: ACGS Guidelines, 2013. Collection method: clinical testing. Allele origin: germline. Affected: yes. Study: VKGL Data-share Consensus.

GeneDx
Classification: Benign. Last evaluated: 2014-01-08. Review status: criteria provided, single submitter. Criteria: GeneDx Variant Classification (06012015). Collection method: clinical testing. Allele origin: germline. Affected: yes.
Comment: This variant is considered likely benign or benign based on one or more of the following criteria: it is a conservative change, it occurs at a poorly conserved position in the protein, it is predicted to be benign by multiple in silico algorithms, and/or has population frequency not consistent with disease.

Laboratory for Molecular Medicine, Mass General Brigham Personalized Medicine
Classification: Benign. Last evaluated: 2012-04-10. Review status: criteria provided, single submitter. Criteria: LMM Criteria. Collection method: clinical testing. Allele origin: germline. Observed: 844 variant alleles.

PreventionGenetics, part of Exact Sciences
Classification: Benign. Review status: criteria provided, single submitter. Criteria: ACMG Guidelines, 2015. Collection method: clinical testing. Allele origin: germline.

Clinical Genetics, Academic Medical Center
Classification: Benign. Review status: no assertion criteria provided. Collection method: clinical testing. Allele origin: germline. Affected: yes. Study: VKGL Data-share Consensus. Not counted in ClinVar's aggregate classification.

Diagnostic Laboratory, Department of Genetics, University Medical Center Groningen
Classification: Benign for Dilated cardiomyopathy 1JJ. Review status: no assertion criteria provided. Collection method: clinical testing. Allele origin: germline. Affected: yes. Study: VKGL Data-share Consensus. Not counted in ClinVar's aggregate classification.